The following is an entry in ClinVar:

NM_001372.4(DNAH9):c.4969T>A (p.Tyr1657Asn)

Genes: DNAH9 (dynein axonemal heavy chain 9; plus strand), LOC126862506 (BRD4-independent group 4 enhancer GRCh37_chr17:11602804-11604003; plus strand). Cytogenetic location: 17p12.
Variant type: single nucleotide variant.
Coding change: c.4969T>A on transcript NM_001372.4 (MANE Select); coding-DNA position 4969, T replaced by A.
Protein change: p.Tyr1657Asn; replaces tyrosine 1657 with asparagine.
Molecular consequence: missense variant.
Genome position (GRCh38, 1-based): chr17:11,699,827, T>A. VCF-style: chr17-11699827-T-A. GRCh37 (hg19) VCF-style: chr17-11603144-T-A.
Other names: short protein forms Y1657N.
Identifiers: ClinVar variation 2972838 (VCV002972838.3), dbSNP rs752972438, ClinGen allele CA8395862.

ClinVar aggregate classification (germline): Uncertain significance (1 of 4 stars; one submission).

Allele frequency attached by ClinVar (database versions not stated): gnomAD 0.00001; ExAC 0.00003.
gnomAD v4.1: 31 of 1,614,068 alleles (0.0019%); highest among the groups gnomAD compares: South Asian, 0.034%; no homozygotes.

Submission:

Labcorp Genetics (formerly Invitae), Labcorp
Classification: Uncertain significance. Last evaluated: 2023-05-24. Review status: criteria provided, single submitter. Criteria: Invitae Variant Classification Sherloc (09022015). Collection method: clinical testing. Allele origin: germline.
Comment: In summary, the available evidence is currently insufficient to determine the role of this variant in disease. Therefore, it has been classified as a Variant of Uncertain Significance. Advanced modeling of protein sequence and biophysical properties (such as structural, functional, and spatial information, amino acid conservation, physicochemical variation, residue mobility, and thermodynamic stability) performed at Invitae indicates that this missense variant is not expected to disrupt DNAH9 protein function. This variant has not been reported in the literature in individuals affected with DNAH9-related conditions. This variant is present in population databases (rs752972438, gnomAD 0.02%). This sequence change replaces tyrosine, which is neutral and polar, with asparagine, which is neutral and polar, at codon 1657 of the DNAH9 protein (p.Tyr1657Asn).